The following is an entry in ClinVar:

ClinVar aggregate classification (germline): Conflicting classifications of pathogenicity. Review status: criteria provided, conflicting classifications (1 of 4 stars). 3 submissions from 3 submitters: Uncertain significance (2); Likely benign (1). Last evaluated 2024-12-31.

Conditions:
Inborn genetic diseases. Identifiers: MedGen C0950123, MeSH D030342.

Allele frequency attached by ClinVar (database versions not stated): gnomAD exomes below 0.00001.
gnomAD v4.1: 1 of 1,613,020 alleles (0.000062%); highest among the groups gnomAD compares: Non-Finnish European, 0.000085%; no homozygotes.

Submissions (3):

Labcorp Genetics (formerly Invitae), Labcorp
Classification: Uncertain significance. Last evaluated: 2024-12-31. Review status: criteria provided, single submitter. Criteria: Invitae Variant Classification Sherloc (09022015). Collection method: clinical testing. Allele origin: germline.
Comment: This sequence change replaces alanine, which is neutral and non-polar, with threonine, which is neutral and polar, at codon 434 of the COL9A3 protein (p.Ala434Thr). This variant is not present in population databases (gnomAD no frequency). This variant has not been reported in the literature in individuals affected with COL9A3-related conditions. ClinVar contains an entry for this variant (Variation ID: 2553486). Invitae Evidence Modeling of protein sequence and biophysical properties (such as structural, functional, and spatial information, amino acid conservation, physicochemical variation, residue mobility, and thermodynamic stability) indicates that this missense variant is not expected to disrupt COL9A3 protein function with a negative predictive value of 95%. In summary, the available evidence is currently insufficient to determine the role of this variant in disease. Therefore, it has been classified as a Variant of Uncertain Significance.

GeneDx
Classification: Uncertain significance. Last evaluated: 2024-05-13. Review status: criteria provided, single submitter. Criteria: GeneDx Variant Classification Process June 2021. Collection method: clinical testing. Allele origin: germline. Affected: yes.
Comment: Not observed at significant frequency in large population cohorts (gnomAD); In silico analysis indicates that this missense variant does not alter protein structure/function; Has not been previously published as pathogenic or benign to our knowledge

Ambry Genetics
Classification: Likely benign for Inborn genetic diseases. Last evaluated: 2023-05-31. Review status: criteria provided, single submitter. Criteria: Ambry Variant Classification Scheme 2023. Collection method: clinical testing. Allele origin: germline.

NM_001853.4(COL9A3):c.1300G>A (p.Ala434Thr)

Gene: COL9A3 (collagen type IX alpha 3 chain; plus strand). Cytogenetic location: 20q13.33.
Variant type: single nucleotide variant.
Coding change: c.1300G>A on transcript NM_001853.4 (MANE Select); coding-DNA position 1300, G replaced by A.
Protein change: p.Ala434Thr; replaces alanine 434 with threonine.
Molecular consequence: missense variant.
Genome position (GRCh38, 1-based): chr20:62,832,166, G>A. VCF-style: chr20-62832166-G-A. GRCh37 (hg19) VCF-style: chr20-61463518-G-A.
Other names: short protein forms A434T.
Identifiers: ClinVar variation 2553486 (VCV002553486.6), dbSNP rs2063601999, ClinGen allele CA409595961.